The following is an entry in ClinVar:

ClinVar aggregate classification (germline): Uncertain significance (1 of 4 stars; one submission).

Conditions:
Pulmonary fibrosis and/or bone marrow failure, Telomere-related, 3. Also called: PULMONARY FIBROSIS AND/OR BONE MARROW FAILURE SYNDROME, TELOMERE-RELATED, 3. Identifiers: Orphanet 2032, MedGen C4225346, MONDO:0014613, OMIM 616373.
Dyskeratosis congenita, autosomal recessive 5 (DKCB5). Identifiers: MedGen C3554656, MONDO:0014076, OMIM 615190.

Submission:

Labcorp Genetics (formerly Invitae), Labcorp
Classification: Uncertain significance for Dyskeratosis congenita, autosomal recessive 5; Pulmonary fibrosis and/or bone marrow failure, Telomere-related, 3. Last evaluated: 2024-02-17. Review status: criteria provided, single submitter. Criteria: Invitae Variant Classification Sherloc (09022015). Collection method: clinical testing. Allele origin: germline.
Comment: This sequence change replaces methionine, which is neutral and non-polar, with valine, which is neutral and non-polar, at codon 1118 of the RTEL1 protein (p.Met1118Val). This variant is not present in population databases (gnomAD no frequency). This variant has not been reported in the literature in individuals affected with RTEL1-related conditions. ClinVar contains an entry for this variant (Variation ID: 970914). An algorithm developed to predict the effect of missense changes on protein structure and function (PolyPhen-2) suggests that this variant is likely to be tolerated. In summary, the available evidence is currently insufficient to determine the role of this variant in disease. Therefore, it has been classified as a Variant of Uncertain Significance.

NM_001283009.2(RTEL1):c.3352A>G (p.Met1118Val)

Genes: RTEL1 (regulator of telomere elongation helicase 1; plus strand), RTEL1-TNFRSF6B (RTEL1-TNFRSF6B readthrough (NMD candidate); plus strand). Cytogenetic location: 20q13.33.
Variant type: single nucleotide variant.
Coding change: c.3352A>G on transcript NM_001283009.2 (MANE Select); coding-DNA position 3352, A replaced by G.
Protein change: p.Met1118Val; replaces methionine 1118 with valine.
Molecular consequence: missense variant. On other transcripts: non-coding transcript variant (1).
Genome position (GRCh38, 1-based): chr20:63,695,074, A>G. VCF-style: chr20-63695074-A-G. GRCh37 (hg19) VCF-style: chr20-62326427-A-G.
Other names: c.2683A>G, p.Met895Val (NM_001283010.1); c.3352A>G, p.Met1118Val (NM_016434.4); c.3424A>G, p.Met1142Val (NM_032957.5); short protein forms M895V, M1142V, M1118V.
Identifiers: ClinVar variation 970914 (VCV000970914.10), dbSNP rs2090940417, ClinGen allele CA409685255.